The following is an entry in ClinVar:

ClinVar aggregate classification (germline): Benign/Likely benign. Review status: criteria provided, multiple submitters, no conflicts (2 of 4 stars). 4 submissions from 4 submitters: Benign (1); Likely benign (3). Last evaluated 2024-10-27.

Conditions:
ADGRG6-related disorder. Also called: ADGRG6-related condition.
Lethal congenital contracture syndrome 9 (LCCS9). Identifiers: MedGen C4225303, MONDO:0014670, OMIM 616503.

Allele frequency attached by ClinVar (database versions not stated): TOPMed 0.00111; gnomAD 0.00112 and 0.00091; ESP Exome Variant Server 0.00134; 1000 Genomes Project 30x 0.00203; gnomAD exomes 0.00213; ExAC 0.00214; 1000 Genomes Project 0.00220.
gnomAD v4.1: 2,525 of 1,613,870 alleles (0.16%); highest among the groups gnomAD compares: Middle Eastern, 2.6%; 18 homozygotes.

Submissions (4):

PreventionGenetics, part of Exact Sciences
Classification: Likely benign for ADGRG6-related condition. Last evaluated: 2024-10-27. Review status: criteria provided, single submitter. Criteria: ACMG Guidelines, 2015. Collection method: clinical testing. Allele origin: germline.
Comment: This variant is classified as likely benign based on ACMG/AMP sequence variant interpretation guidelines (Richards et al. 2015 PMID: 25741868, with internal and published modifications).

CeGaT Center for Human Genetics Tuebingen
Classification: Likely benign. Last evaluated: 2023-09-01. Review status: criteria provided, single submitter. Criteria: CeGaT Center For Human Genetics Tuebingen Variant Classification Criteria Version 2. Collection method: clinical testing. Allele origin: germline. Affected: yes. Observed: 3 variant alleles.
Comment: ADGRG6: BP4, BP7, BS2

Fulgent Genetics
Classification: Likely benign for Lethal congenital contracture syndrome 9. Last evaluated: 2021-11-29. Review status: criteria provided, single submitter. Criteria: ACMG Guidelines, 2015. Collection method: clinical testing. Allele origin: unknown.

Labcorp Genetics (formerly Invitae), Labcorp
Classification: Benign. Last evaluated: 2019-12-31. Review status: criteria provided, single submitter. Criteria: Invitae Variant Classification Sherloc (09022015). Collection method: clinical testing. Allele origin: germline.

NM_198569.3(ADGRG6):c.354A>G (p.Leu118=)

Gene: ADGRG6 (adhesion G protein-coupled receptor G6; plus strand). Cytogenetic location: 6q24.2.
Variant type: single nucleotide variant.
Coding change: c.354A>G on transcript NM_198569.3 (MANE Select); coding-DNA position 354, A replaced by G.
Protein change: p.Leu118=; no amino-acid change (leucine 118 retained).
Molecular consequence: synonymous variant.
Genome position (GRCh38, 1-based): chr6:142,367,819, A>G. VCF-style: chr6-142367819-A-G. GRCh37 (hg19) VCF-style: chr6-142688956-A-G.
Other names: c.354A>G, p.Leu118= (NM_020455.6, NM_001032394.3, NM_001032395.3).
Identifiers: ClinVar variation 791451 (VCV000791451.30), dbSNP rs140723393, ClinGen allele CA4026629.